The following is an entry in ClinVar:

NM_002633.3(PGM1):c.442T>G (p.Phe148Val)

Gene: PGM1 (phosphoglucomutase 1; plus strand). Cytogenetic location: 1p31.3.
Variant type: single nucleotide variant.
Coding change: c.442T>G on transcript NM_002633.3 (MANE Select); coding-DNA position 442, T replaced by G.
Protein change: p.Phe148Val; replaces phenylalanine 148 with valine.
Molecular consequence: missense variant. On other transcripts: 5 prime UTR variant (1).
Genome position (GRCh38, 1-based): chr1:63,629,974, T>G. VCF-style: chr1-63629974-T-G. GRCh37 (hg19) VCF-style: chr1-64095645-T-G.
Other names: c.496T>G, p.Phe166Val (NM_001172818.1); c.-150T>G (NM_001172819.2); short protein forms F148V, F166V.
Identifiers: ClinVar variation 740598 (VCV000740598.15), dbSNP rs755467080, ClinGen allele CA889546.
Genomic context (GRCh38, chr1:63,629,974, plus strand): 5'-AACCCACTGTTTGCTGTTTGGTTTCCAGGTCCTGCTCCAGAAGCAATAACTGATAAAATT[T>G]TCCAAATCAGCAAGACAATTGAAGAATATGCAGTTTGCCCTGACCTGAAAGTAGACCTTG-3'
Protein context (NP_002624.2, residues 138-158): PAPEAITDKI[Phe148Val]QISKTIEEYA

ClinVar aggregate classification (germline): Conflicting classifications of pathogenicity. Review status: criteria provided, conflicting classifications (1 of 4 stars). 4 submissions from 4 submitters: Uncertain significance (2); Likely benign (2). Last evaluated 2026-01-28.

Conditions:
PGM1-congenital disorder of glycosylation. Also called: Congenital disorder of glycosylation type 1t; PHOSPHOGLUCOMUTASE 1 DEFICIENCY; PGM1 DEFICIENCY; GLYCOGEN STORAGE DISEASE XIV; GSD XIV; CDG It. Identifiers: Orphanet 319646, MedGen C2752015, MONDO:0013968, OMIM 614921.
PGM1-related disorder. Also called: PGM1-related disorders; PGM1-related condition.

Allele frequency attached by ClinVar (database versions not stated): gnomAD 0.00005 and 0.00006; TOPMed 0.00014; ExAC 0.00035; gnomAD exomes 0.00035.
gnomAD v4.1: 104 of 1,613,938 alleles (0.0064%); highest among the groups gnomAD compares: Admixed American, 0.16%; 2 homozygotes.

Submissions (4):

Labcorp Genetics (formerly Invitae), Labcorp
Classification: Likely benign for PGM1-congenital disorder of glycosylation. Last evaluated: 2026-01-28. Review status: criteria provided, single submitter. Criteria: Invitae Variant Classification Sherloc (09022015). Collection method: clinical testing. Allele origin: germline.

PreventionGenetics, part of Exact Sciences
Classification: Likely benign for PGM1-related condition. Last evaluated: 2025-01-13. Review status: criteria provided, single submitter. Criteria: ACMG Guidelines, 2015. Collection method: clinical testing. Allele origin: germline.
Comment: This variant is classified as likely benign based on ACMG/AMP sequence variant interpretation guidelines (Richards et al. 2015 PMID: 25741868, with internal and published modifications).

GeneDx
Classification: Uncertain significance. Last evaluated: 2023-11-17. Review status: criteria provided, single submitter. Criteria: GeneDx Variant Classification Process June 2021. Collection method: clinical testing. Allele origin: germline. Affected: yes.
Comment: In silico analysis supports that this missense variant has a deleterious effect on protein structure/function; Has not been previously published as pathogenic or benign to our knowledge

Illumina Laboratory Services, Illumina
Classification: Uncertain significance for PGM1-congenital disorder of glycosylation. Last evaluated: 2018-01-13. Review status: criteria provided, single submitter. Criteria: ICSL Variant Classification Criteria 13 December 2019. Collection method: clinical testing. Allele origin: germline.